The following is an entry in ClinVar:

ClinVar aggregate classification (germline): Pathogenic (1 of 4 stars; one submission).

Conditions:
Gastrointestinal stromal tumor. Also called: Gastrointestinal stromal tumor, somatic; Gastrointestinal stroma tumor. Identifiers: Orphanet 44890, MedGen C0238198, MeSH D046152, MONDO:0011719, OMIM 606764, HP:0100723.
Pheochromocytoma/paraganglioma syndrome 3. Also called: GLOMUS TUMORS, FAMILIAL, 3; SDHC-Related Hereditary Paraganglioma-Pheochromocytoma Syndrome; Paragangliomas 3; SDHC-Related Hereditary Paraganglioma-Pheochromocytoma Syndrome (Paragangliomas 3). Identifiers: Orphanet 29072, MedGen C1854336, MONDO:0011544, OMIM 605373.

Submission:

Labcorp Genetics (formerly Invitae), Labcorp
Classification: Pathogenic for Pheochromocytoma/paraganglioma syndrome 3; Gastrointestinal stromal tumor. Last evaluated: 2025-11-24. Review status: criteria provided, single submitter. Criteria: Invitae Variant Classification Sherloc (09022015). Collection method: clinical testing. Allele origin: germline.
Comment: This sequence change falls in intron 1 of the SDHC gene. It does not directly change the encoded amino acid sequence of the SDHC protein. RNA analysis indicates that this variant induces altered splicing and likely results in a shortened protein product. This variant is not present in population databases (gnomAD no frequency). This variant has been observed in individual(s) with paraganglioma-pheochromocytoma syndromes (internal data). ClinVar contains an entry for this variant (Variation ID: 959549). Variants that disrupt the consensus splice site are a relatively common cause of aberrant splicing (PMID: 17576681, 9536098). Studies have shown that this variant results in skipping of exon 2 and exons 2-3, but is expected to preserve the integrity of the reading-frame (internal data). Other variant(s) that result in loss of exon 2 have been determined to be pathogenic (PMID: 19454582; internal data). This suggests that this variant may also be clinically significant and likely to be disease-causing. For these reasons, this variant has been classified as Pathogenic.

Literature cited by the submitters: PubMed 17576681; PubMed 9536098; PubMed 19454582.

NM_003001.5(SDHC):c.21-3C>G

Gene: SDHC (succinate dehydrogenase complex subunit C; plus strand). Cytogenetic location: 1q23.3.
Variant type: single nucleotide variant.
Coding change: c.21-3C>G on transcript NM_003001.5 (MANE Select); 3 bases into the intron before coding-DNA position 21, C replaced by G.
Molecular consequence: intron variant.
Genome position (GRCh38, 1-based): chr1:161,323,611, C>G. VCF-style: chr1-161323611-C-G. GRCh37 (hg19) VCF-style: chr1-161293401-C-G.
Other names: c.-91-3C>G (NM_001407119.1); c.-209-3C>G (NM_001407120.1); c.21-3C>G (NM_001407115.1, NM_001035511.3, NM_001035512.3 and 2 more transcripts); c.21-4785C>G (NM_001407116.1, NM_001407121.1, NM_001407117.1); c.20+9186C>G (NM_001035513.3).
Identifiers: ClinVar variation 959549 (VCV000959549.11), dbSNP rs1670921815, ClinGen allele CA1139655525.
Genomic context (GRCh38, chr1:161,323,611, plus strand): 5'-GAAGTTGATATACTAAAGTTGATCTCTAAATGTGTATTGATTTTTGATTCTCTTATCTTG[C>G]AGACACGTTGGTCGTCATTGCCTCCGAGCCCACTTTAGCCCTCAGCTCTGTATCAGAAAG-3'